The following is an entry in ClinVar:

ClinVar aggregate classification (germline): Benign/Likely benign. Review status: criteria provided, multiple submitters, no conflicts (2 of 4 stars). 12 submissions from 12 submitters: Benign (4); Likely benign (5). 3 of the submissions do not count toward it. Last evaluated 2026-02-02.

Conditions:
Atrial fibrillation, familial, 7 (ATFB7). Identifiers: MedGen C2677106, MONDO:0012828, OMIM 612240.

Allele frequency attached by ClinVar (database versions not stated): 1000 Genomes Project 0.00819; 1000 Genomes Project 30x 0.00843; ESP Exome Variant Server 0.00946; TOPMed 0.01011; gnomAD 0.01115 and 0.01136; ExAC 0.01310; gnomAD exomes 0.01375 and 0.01444.
gnomAD v4.1: 21,776 of 1,613,840 alleles (1.3%); highest among the groups gnomAD compares: Admixed American, 4.1%; 216 homozygotes.

Submissions (12):

Labcorp Genetics (formerly Invitae), Labcorp
Classification: Benign for Atrial fibrillation, familial, 7. Last evaluated: 2026-02-02. Review status: criteria provided, single submitter. Criteria: Invitae Variant Classification Sherloc (09022015). Collection method: clinical testing. Allele origin: germline.

ARUP Laboratories, Molecular Genetics and Genomics, ARUP Laboratories
Classification: Benign for Atrial fibrillation, familial, 7. Last evaluated: 2025-03-18. Review status: criteria provided, single submitter. Criteria: ARUP Molecular Germline Variant Investigation Process 2024. Collection method: clinical testing. Allele origin: germline.

Blueprint Genetics
Classification: Likely benign. Last evaluated: 2024-11-26. Review status: criteria provided, single submitter. Criteria: ACMG Guidelines, 2015. Collection method: clinical testing. Allele origin: germline.

Women's Health and Genetics/Laboratory Corporation of America, LabCorp
Classification: Likely benign. Last evaluated: 2024-01-15. Review status: criteria provided, single submitter. Criteria: LabCorp Variant Classification Summary - May 2015. Collection method: clinical testing. Allele origin: germline.

GeneDx
Classification: Likely benign. Last evaluated: 2020-09-21. Review status: criteria provided, single submitter. Criteria: GeneDx Variant Classification Process June 2021. Collection method: clinical testing. Allele origin: germline. Affected: yes.

Illumina Laboratory Services, Illumina
Classification: Likely benign for Atrial fibrillation, familial, 7. Last evaluated: 2017-04-27. Review status: criteria provided, single submitter. Criteria: ICSL Variant Classification Criteria 13 December 2019. Collection method: clinical testing. Allele origin: germline.
Comment: This variant was observed as part of a predisposition screen in an ostensibly healthy population. A literature search was performed for the gene, cDNA change, and amino acid change (where applicable). Publications were found based on this search. The evidence from the literature, in combination with allele frequency data from public databases where available, was sufficient to determine this variant is unlikely to cause disease. Therefore, this variant is classified as likely benign.

Laboratory for Molecular Medicine, Mass General Brigham Personalized Medicine
Classification: Benign. Last evaluated: 2016-03-28. Review status: criteria provided, single submitter. Criteria: LMM Criteria. Collection method: clinical testing. Allele origin: germline.
Comment: Variant identified in a genome or exome case(s) and assessed due to predicted null impact of the variant or pathogenic assertions in the literature or databases. Disclaimer: This variant has not undergone full assessment. The following are preliminary notes: Frequency

Biesecker Lab/Clinical Genomics Section, National Institutes of Health
Classification: Benign. Last evaluated: 2013-06-24. Review status: criteria provided, single submitter. Criteria: Ng et al. (Circ Cardiovasc Genet. 2013). Collection method: research. Allele origin: unknown. Observed: 21 variant alleles. Study: ClinSeq.
Comment: The study set was not selected for affection status in relation to any cancer. Pathogenicity categories were based on literature curation. See Pubmed ID:23861362 for details.

Medical sequencing

Breakthrough Genomics
Classification: Likely benign. Review status: criteria provided, single submitter. Criteria: ACMG Guidelines, 2015. Collection method: not provided. Allele origin: germline. Inheritance: Autosomal dominant inheritance. Affected: yes.

Clinical Genetics, Academic Medical Center
Classification: Benign. Review status: no assertion criteria provided. Collection method: clinical testing. Allele origin: germline. Affected: yes. Study: VKGL Data-share Consensus. Not counted in ClinVar's aggregate classification.

Joint Genome Diagnostic Labs from Nijmegen and Maastricht, Radboudumc and MUMC+
Classification: Benign. Review status: no assertion criteria provided. Collection method: clinical testing. Allele origin: germline. Affected: yes. Study: VKGL Data-share Consensus. Not counted in ClinVar's aggregate classification.

Laboratory of Diagnostic Genome Analysis, Leiden University Medical Center (LUMC)
Classification: Likely benign. Review status: no assertion criteria provided. Collection method: clinical testing. Allele origin: germline. Affected: yes. Study: VKGL Data-share Consensus. Not counted in ClinVar's aggregate classification.

Literature cited by the submitters: PubMed 18209767 (cited by Illumina Laboratory Services, Illumina).

NM_002234.4(KCNA5):c.751G>A (p.Ala251Thr)

Gene: KCNA5 (potassium voltage-gated channel subfamily A member 5; plus strand). Cytogenetic location: 12p13.32.
Variant type: single nucleotide variant.
Coding change: c.751G>A on transcript NM_002234.4 (MANE Select); coding-DNA position 751, G replaced by A.
Protein change: p.Ala251Thr; replaces alanine 251 with threonine.
Molecular consequence: missense variant.
Genome position (GRCh38, 1-based): chr12:5,044,898, G>A. VCF-style: chr12-5044898-G-A. GRCh37 (hg19) VCF-style: chr12-5154064-G-A.
Other names: short protein forms A251T.
Identifiers: ClinVar variation 191570 (VCV000191570.39), dbSNP rs12720442, ClinGen allele CA199945.